The following is an entry in ClinVar:

NM_000179.3(MSH6):c.742C>A (p.Arg248=)

Gene: MSH6 (mutS homolog 6; plus strand). Cytogenetic location: 2p16.3.
Variant type: single nucleotide variant.
Coding change: c.742C>A on transcript NM_000179.3 (MANE Select); coding-DNA position 742, C replaced by A.
Protein change: p.Arg248=; no amino-acid change (arginine 248 retained).
Molecular consequence: synonymous variant. On other transcripts: 5 prime UTR variant (2).
Genome position (GRCh38, 1-based): chr2:47,798,725, C>A. VCF-style: chr2-47798725-C-A. GRCh37 (hg19) VCF-style: chr2-48025864-C-A.
Other names: c.352C>A, p.Arg118= (NM_001281492.2); c.-165C>A (NM_001281493.2, NM_001281494.2).
Identifiers: ClinVar variation 1086885 (VCV001086885.21), dbSNP rs63749980, ClinGen allele CA073414.

ClinVar aggregate classification (germline): Benign/Likely benign. Review status: criteria provided, multiple submitters, no conflicts (2 of 4 stars). 4 submissions from 4 submitters: Benign (1); Likely benign (3). Last evaluated 2025-06-01.

Conditions:
Hereditary nonpolyposis colorectal neoplasms. Identifiers: MedGen C0009405, MeSH D003123.
Hereditary cancer-predisposing syndrome. Also called: Neoplastic Syndromes, Hereditary; Tumor predisposition; Hereditary neoplastic syndrome; Hereditary Cancer Syndrome. Identifiers: Orphanet 140162, MedGen C0027672, MeSH D009386, MONDO:0015356.
Lynch syndrome 5 (LYNCH5). Also called: Hereditary non-polyposis colorectal cancer, type 5; Colorectal cancer, hereditary nonpolyposis, type 5. Identifiers: Orphanet 144, MedGen C1833477, MONDO:0013710, OMIM 614350. Disease mechanism: loss of function.

gnomAD v4.1: 3 of 1,614,068 alleles (0.00019%); highest among the groups gnomAD compares: East Asian, 0.0045%; no homozygotes.

Submissions (4):

CeGaT Center for Human Genetics Tuebingen
Classification: Likely benign. Last evaluated: 2025-06-01. Review status: criteria provided, single submitter. Criteria: CeGaT Center For Human Genetics Tuebingen Variant Classification Criteria Version 2. Collection method: clinical testing. Allele origin: germline. Affected: yes. Observed: 1 variant allele.
Comment: MSH6: BP4, BP7

Myriad Genetics, Inc.
Classification: Benign for Lynch syndrome 5. Last evaluated: 2024-12-20. Review status: criteria provided, single submitter. Criteria: Myriad Autosomal Dominant, Autosomal Recessive and X-Linked Classification Criteria (2023). Collection method: clinical testing. Allele origin: unknown.
Comment: This variant is considered benign. This variant is a silent/synonymous amino acid change and it is not expected to impact splicing.

Labcorp Genetics (formerly Invitae), Labcorp
Classification: Likely benign for Hereditary nonpolyposis colorectal neoplasms. Last evaluated: 2023-08-02. Review status: criteria provided, single submitter. Criteria: Invitae Variant Classification Sherloc (09022015). Collection method: clinical testing. Allele origin: germline.

Ambry Genetics
Classification: Likely benign for Hereditary cancer-predisposing syndrome. Last evaluated: 2021-01-22. Review status: criteria provided, single submitter. Criteria: Ambry Variant Classification Scheme 2023. Collection method: clinical testing. Allele origin: germline.